The following is an entry in ClinVar:

NM_001042492.3(NF1):c.3044T>C (p.Leu1015Pro)

Gene: NF1 (neurofibromin 1; plus strand). Cytogenetic location: 17q11.2.
Variant type: single nucleotide variant.
Coding change: c.3044T>C on transcript NM_001042492.3 (MANE Select); coding-DNA position 3044, T replaced by C.
Protein change: p.Leu1015Pro; replaces leucine 1015 with proline.
Molecular consequence: missense variant.
Genome position (GRCh38, 1-based): chr17:31,230,313, T>C. VCF-style: chr17-31230313-T-C. GRCh37 (hg19) VCF-style: chr17-29557331-T-C.
Other names: c.3044T>C, p.Leu1015Pro (NM_000267.4); short protein forms L1015P.
Identifiers: ClinVar variation 428992 (VCV000428992.12), dbSNP rs1131691112, ClinGen allele CA398987362.
Genomic context (GRCh38, chr17:31,230,313, plus strand): 5'-TATATAGGTATGTTCGTGTGCTTGGGAATATGGTCCATGCAATTCAAATAAAAACGAAAC[T>C]GTGTCAATTAGTTGAAGTAATGATGGCAAGGAGAGATGACCTCTCATTTTGCCAAGAGAT-3'
Protein context (NP_001035957.1, residues 1005-1025): MVHAIQIKTK[Leu1015Pro]CQLVEVMMAR

ClinVar aggregate classification (germline): Pathogenic/Likely pathogenic. Review status: criteria provided, multiple submitters, no conflicts (2 of 4 stars). 4 submissions from 4 submitters: Pathogenic (2); Likely pathogenic (2). Last evaluated 2025-12-06.

Conditions:
Hereditary cancer-predisposing syndrome. Also called: Tumor predisposition; Hereditary Cancer Syndrome; Hereditary neoplastic syndrome; Neoplastic Syndromes, Hereditary. Identifiers: Orphanet 140162, MedGen C0027672, MeSH D009386, MONDO:0015356.
Cardiovascular phenotype. Identifiers: MedGen CN230736.
NF1-related disorder. Also called: NF1-related condition. Identifiers: MedGen CN379171.
Neurofibromatosis, type 1 (NF1). Also called: Neurofibromatosis, type I; NEUROFIBROMATOSIS, TYPE I, SOMATIC; VON RECKLINGHAUSEN DISEASE; Peripheral type neurofibromatosis. Identifiers: Orphanet 636, MedGen C0027831, MONDO:0018975, OMIM 162200. Disease mechanism: loss of function.

Submissions (4):

Labcorp Genetics (formerly Invitae), Labcorp
Classification: Pathogenic for Neurofibromatosis, type 1. Last evaluated: 2025-12-06. Review status: criteria provided, single submitter. Criteria: Invitae Variant Classification Sherloc (09022015). Collection method: clinical testing. Allele origin: germline.
Comment: This sequence change replaces leucine, which is neutral and non-polar, with proline, which is neutral and non-polar, at codon 1015 of the NF1 protein (p.Leu1015Pro). This variant is not present in population databases (gnomAD no frequency). This missense change has been observed in individual(s) with neurofibromatosis type 1 (PMID: 14517963, 27322474; internal data). Invitae Evidence Modeling of clinical and family history, age, sex, and reported ancestry of multiple individuals with this NF1 variant has been performed. This variant is expected to be pathogenic with a positive predictive value of at least 99%. This is a validated machine learning model that incorporates the clinical features of 1,785,918 individuals referred to our laboratory for NF1 testing. ClinVar contains an entry for this variant (Variation ID: 428992). Invitae Evidence Modeling of protein sequence and biophysical properties (such as structural, functional, and spatial information, amino acid conservation, physicochemical variation, residue mobility, and thermodynamic stability) indicates that this missense variant is expected to disrupt NF1 protein function with a positive predictive value of 95%. For these reasons, this variant has been classified as Pathogenic.

Blueprint Genetics
Classification: Likely pathogenic for NF1-related disorders. Last evaluated: 2024-01-24. Review status: criteria provided, single submitter. Criteria: ACMG Guidelines, 2015. Collection method: clinical testing. Allele origin: germline. Affected: yes. Observed: 1 variant allele.

Ambry Genetics
Classification: Pathogenic for Cardiovascular phenotype; Hereditary cancer-predisposing syndrome. Last evaluated: 2023-10-16. Review status: criteria provided, single submitter. Criteria: Ambry Variant Classification Scheme 2023. Collection method: clinical testing. Allele origin: germline.
Comment: The p.L1015P pathogenic mutation (also known as c.3044T>C), located in coding exon 23 of the NF1 gene, results from a T to C substitution at nucleotide position 3044. The leucine at codon 1015 is replaced by proline, an amino acid with similar properties. This alteration has been detected in several individuals reported to fulfill NF1 clinical diagnostic criteria (Kluwe L, et al. Hum. Mutat. 2003 Nov; 22(5):420; Evans DG et al. EBioMedicine. 2016 May;7:212-20; external communication; Amby internal data). This variant is considered to be rare based on population cohorts in the Genome Aggregation Database (gnomAD). This amino acid position is highly conserved in available vertebrate species. In addition, the in silico prediction for this alteration is inconclusive. Based on the supporting evidence, this alteration is interpreted as a disease-causing mutation.

Genome-Nilou Lab
Classification: Likely pathogenic for Neurofibromatosis, type 1. Last evaluated: 2022-03-15. Review status: criteria provided, single submitter. Criteria: ACMG Guidelines, 2015. Collection method: clinical testing. Allele origin: germline. Affected: no.

Literature cited by the submitters: PubMed 14517963 (cited by Labcorp Genetics (formerly Invitae), Labcorp); PubMed 27322474 (cited by Labcorp Genetics (formerly Invitae), Labcorp).